The following is an entry in ClinVar:

NM_015041.3(CLUAP1):c.1076G>T (p.Gly359Val)

Gene: CLUAP1 (clusterin associated protein 1; plus strand). Cytogenetic location: 16p13.3.
Variant type: single nucleotide variant.
Coding change: c.1076G>T on transcript NM_015041.3 (MANE Select); coding-DNA position 1076, G replaced by T.
Protein change: p.Gly359Val; replaces glycine 359 with valine.
Molecular consequence: missense variant.
Genome position (GRCh38, 1-based): chr16:3,532,825, G>T. VCF-style: chr16-3532825-G-T. GRCh37 (hg19) VCF-style: chr16-3582825-G-T.
Other names: c.1076G>T (NM_015041.1); c.1076G>T, p.Gly359Val (NM_001330454.2); c.578G>T, p.Gly193Val (NM_024793.3); short protein forms G359V, G193V.
Identifiers: ClinVar variation 2810400 (VCV002810400.4), dbSNP rs755319783, ClinGen allele CA7863984.

ClinVar aggregate classification (germline): Uncertain significance. Review status: criteria provided, multiple submitters, no conflicts (2 of 4 stars). 2 submissions from 2 submitters: Uncertain significance (2). Last evaluated 2025-03-28.

Allele frequency attached by ClinVar (database versions not stated): gnomAD exomes below 0.00001; ExAC 0.00001; gnomAD 0.00001.
gnomAD v4.1: 5 of 1,614,052 alleles (0.00031%); highest among the groups gnomAD compares: East Asian, 0.0067%; no homozygotes.

Submissions (2):

Ambry Genetics
Classification: Uncertain significance. Last evaluated: 2025-03-28. Review status: criteria provided, single submitter. Criteria: Ambry Variant Classification Scheme 2023. Collection method: clinical testing. Allele origin: germline.

Labcorp Genetics (formerly Invitae), Labcorp
Classification: Uncertain significance. Last evaluated: 2022-11-04. Review status: criteria provided, single submitter. Criteria: Invitae Variant Classification Sherloc (09022015). Collection method: clinical testing. Allele origin: germline.
Comment: This sequence change replaces glycine, which is neutral and non-polar, with valine, which is neutral and non-polar, at codon 359 of the CLUAP1 protein (p.Gly359Val). This variant is present in population databases (rs755319783, gnomAD 0.006%). In summary, the available evidence is currently insufficient to determine the role of this variant in disease. Therefore, it has been classified as a Variant of Uncertain Significance. Advanced modeling of protein sequence and biophysical properties (such as structural, functional, and spatial information, amino acid conservation, physicochemical variation, residue mobility, and thermodynamic stability) performed at Invitae indicates that this missense variant is not expected to disrupt CLUAP1 protein function. This variant has not been reported in the literature in individuals affected with CLUAP1-related conditions.